The following is an entry in ClinVar:

NM_004963.4(GUCY2C):c.2660A>G (p.Asn887Ser)

Gene: GUCY2C (guanylate cyclase 2C; minus strand). Cytogenetic location: 12p12.3.
Variant type: single nucleotide variant.
Coding change: c.2660A>G on transcript NM_004963.4 (MANE Select); coding-DNA position 2660, A replaced by G.
Protein change: p.Asn887Ser; replaces asparagine 887 with serine.
Molecular consequence: missense variant.
Genome position (GRCh38, 1-based): chr12:14,621,158, T>C on the plus strand (A>G on the coding strand, the complement: GUCY2C is on the minus strand). VCF-style: chr12-14621158-T-C. GRCh37 (hg19) VCF-style: chr12-14774092-T-C.
Other names: short protein forms N887S.
Identifiers: ClinVar variation 1482709 (VCV001482709.6), dbSNP rs2136980915, ClinGen allele CA383994593.

ClinVar aggregate classification (germline): Uncertain significance (1 of 4 stars; one submission).

Submission:

Labcorp Genetics (formerly Invitae), Labcorp
Classification: Uncertain significance. Last evaluated: 2022-08-09. Review status: criteria provided, single submitter. Criteria: Invitae Variant Classification Sherloc (09022015). Collection method: clinical testing. Allele origin: germline.
Comment: In summary, the available evidence is currently insufficient to determine the role of this variant in disease. Therefore, it has been classified as a Variant of Uncertain Significance. Algorithms developed to predict the effect of missense changes on protein structure and function are either unavailable or do not agree on the potential impact of this missense change (SIFT: "Deleterious"; PolyPhen-2: "Probably Damaging"; Align-GVGD: "Class C0"). ClinVar contains an entry for this variant (Variation ID: 1482709). This variant has not been reported in the literature in individuals affected with GUCY2C-related conditions. This variant is not present in population databases (gnomAD no frequency). This sequence change replaces asparagine, which is neutral and polar, with serine, which is neutral and polar, at codon 887 of the GUCY2C protein (p.Asn887Ser).